The following is an entry in ClinVar:

ClinVar aggregate classification (germline): Uncertain significance (1 of 4 stars; one submission).

Conditions:
Inborn genetic diseases. Identifiers: MedGen C0950123, MeSH D030342.

gnomAD v4.1: 1 of 1,612,460 alleles (0.000062%); highest among the groups gnomAD compares: Non-Finnish European, 0.000085%; no homozygotes.

Submission:

Ambry Genetics
Classification: Uncertain significance for Inborn genetic diseases. Last evaluated: 2025-07-14. Review status: criteria provided, single submitter. Criteria: Ambry Variant Classification Scheme 2023. Collection method: clinical testing. Allele origin: germline.
Comment: The p.V741G variant (also known as c.2222T>G), located in coding exon 24 of the RTEL1 gene, results from a T to G substitution at nucleotide position 2222. The valine at codon 741 is replaced by glycine, an amino acid with dissimilar properties. This amino acid position is conserved. In addition, the in silico prediction for this alteration is inconclusive. Based on the available evidence, the clinical significance of this variant remains unclear.

NM_001283009.2(RTEL1):c.2222T>G (p.Val741Gly)

Genes: RTEL1 (regulator of telomere elongation helicase 1; plus strand), RTEL1-TNFRSF6B (RTEL1-TNFRSF6B readthrough (NMD candidate); plus strand). Cytogenetic location: 20q13.33.
Variant type: single nucleotide variant.
Coding change: c.2222T>G on transcript NM_001283009.2 (MANE Select); coding-DNA position 2222, T replaced by G.
Protein change: p.Val741Gly; replaces valine 741 with glycine.
Molecular consequence: missense variant. On other transcripts: non-coding transcript variant (1).
Genome position (GRCh38, 1-based): chr20:63,690,167, T>G. VCF-style: chr20-63690167-T-G. GRCh37 (hg19) VCF-style: chr20-62321520-T-G.
Other names: c.1553T>G, p.Val518Gly (NM_001283010.1); c.2222T>G, p.Val741Gly (NM_016434.4); c.2294T>G, p.Val765Gly (NM_032957.5); short protein forms V518G, V741G, V765G.
Identifiers: ClinVar variation 4157603 (VCV004157603.1).